The following is an entry in ClinVar:

ClinVar aggregate classification (germline): Uncertain significance. Review status: criteria provided, multiple submitters, no conflicts (2 of 4 stars). 5 submissions from 5 submitters: Uncertain significance (4). 1 of the submissions does not count toward it. Last evaluated 2025-04-20.

Conditions:
Long QT syndrome (LQTS). Identifiers: MedGen C0023976, MeSH D008133, MONDO:0002442. Disease mechanism: loss of function. Inheritance: Various modes of inheritance.
Long QT syndrome 12 (LQT12). Identifiers: Orphanet 101016, Orphanet 768, MedGen C2751830, MONDO:0013062, OMIM 612955.
Cardiovascular phenotype. Identifiers: MedGen CN230736.

Allele frequency attached by ClinVar (database versions not stated): TOPMed 0.00001; gnomAD 0.00002.

Submissions (5):

Ambry Genetics
Classification: Uncertain significance for Cardiovascular phenotype. Last evaluated: 2025-04-20. Review status: criteria provided, single submitter. Criteria: Ambry Variant Classification Scheme 2023. Collection method: clinical testing. Allele origin: germline.

GeneDx
Classification: Uncertain significance. Last evaluated: 2022-05-02. Review status: criteria provided, single submitter. Criteria: GeneDx Variant Classification Process June 2021. Collection method: clinical testing. Allele origin: germline. Affected: yes.
Comment: Not observed at significant frequency in large population cohorts (gnomAD); In silico analysis supports that this missense variant has a deleterious effect on protein structure/function; Has not been previously published as pathogenic or benign to our knowledge

Fulgent Genetics
Classification: Uncertain significance for Long QT syndrome 12. Last evaluated: 2021-11-03. Review status: criteria provided, single submitter. Criteria: ACMG Guidelines, 2015. Collection method: clinical testing. Allele origin: unknown.

Labcorp Genetics (formerly Invitae), Labcorp
Classification: Uncertain significance for Long QT syndrome. Last evaluated: 2021-07-13. Review status: criteria provided, single submitter. Criteria: Invitae Variant Classification Sherloc (09022015). Collection method: clinical testing. Allele origin: germline.
Comment: This sequence change replaces arginine with cysteine at codon 9 of the SNTA1 protein (p.Arg9Cys). The arginine residue is moderately conserved and there is a large physicochemical difference between arginine and cysteine. The frequency data for this variant in the population databases is considered unreliable, as metrics indicate insufficient coverage at this position in the ExAC database. This variant has not been reported in the literature in individuals with SNTA1-related conditions. ClinVar contains an entry for this variant (Variation ID: 264021). Algorithms developed to predict the effect of missense changes on protein structure and function are either unavailable or do not agree on the potential impact of this missense change (SIFT: "Deleterious"; PolyPhen-2: "Possibly Damaging"; Align-GVGD: "Class C0"). In summary, the available evidence is currently insufficient to determine the role of this variant in disease. Therefore, it has been classified as a Variant of Uncertain Significance.

Institute of Human Genetics, University of Goettingen
Classification: Uncertain significance for Long QT syndrome 12. Last evaluated: 2020-05-06. Review status: no assertion criteria provided. Collection method: clinical testing. Allele origin: germline. Affected: yes. Observed: 1 heterozygote. Not counted in ClinVar's aggregate classification.

NM_003098.3(SNTA1):c.25C>T (p.Arg9Cys)

Genes: SNTA1 (syntrophin alpha 1; minus strand), LOC130065680 (ATAC-STARR-seq lymphoblastoid silent region 12812; plus strand). Cytogenetic location: 20q11.21.
Variant type: single nucleotide variant.
Coding change: c.25C>T on transcript NM_003098.3 (MANE Select); coding-DNA position 25, C replaced by T.
Protein change: p.Arg9Cys; replaces arginine 9 with cysteine.
Molecular consequence: missense variant.
Genome position (GRCh38, 1-based): chr20:33,443,596, G>A on the plus strand (C>T on the coding strand, the complement: SNTA1 is on the minus strand). VCF-style: chr20-33443596-G-A. GRCh37 (hg19) VCF-style: chr20-32031402-G-A.
Other names: short protein forms R9C.
Identifiers: ClinVar variation 264021 (VCV000264021.23), dbSNP rs886039012, ClinGen allele CA10587924.
Genomic context (GRCh38, chr20:33,443,596, plus strand): 5'-GCCATCGCTCGCCGCCGGCCCCCGAGCCCGCCCCGGCGCGCAGCTCCAGCAGCCCGGTGC[G>A]CGGGGCGCGCCTGCCGGACGCCATCTTCGCCTCCGAGCCCCCGGGCCGCCGCGCTCGCCC-3'
Protein context (NP_003089.1, residues 1-19): MASGRRAP[Arg9Cys]TGLLELRAGA